The following is an entry in ClinVar:

NM_144573.4(NEXN):c.1011A>G (p.Ile337Met)

Gene: NEXN (nexilin F-actin binding protein; plus strand). Cytogenetic location: 1p31.1.
Variant type: single nucleotide variant.
Coding change: c.1011A>G on transcript NM_144573.4 (MANE Select); coding-DNA position 1011, A replaced by G.
Protein change: p.Ile337Met; replaces isoleucine 337 with methionine.
Molecular consequence: missense variant.
Genome position (GRCh38, 1-based): chr1:77,929,462, A>G. VCF-style: chr1-77929462-A-G. GRCh37 (hg19) VCF-style: chr1-78395147-A-G.
Other names: c.819A>G, p.Ile273Met (NM_001172309.2); short protein forms I337M, I273M.
Identifiers: ClinVar variation 4793169 (VCV004793169.1).

ClinVar aggregate classification (germline): Uncertain significance (1 of 4 stars; one submission).

Conditions:
Hypertrophic cardiomyopathy 20. Identifiers: MedGen C3151267, MONDO:0013477, OMIM 613876.
Dilated cardiomyopathy 1CC (CMD1CC). Identifiers: Orphanet 154, MedGen C2751084, MONDO:0013147, OMIM 613122.

gnomAD v4.1: 10 of 1,613,342 alleles (0.00062%); highest among the groups gnomAD compares: East Asian, 0.0022%; no homozygotes.

Submission:

Labcorp Genetics (formerly Invitae), Labcorp
Classification: Uncertain significance for Dilated cardiomyopathy 1CC; Hypertrophic cardiomyopathy 20. Last evaluated: 2026-01-12. Review status: criteria provided, single submitter. Criteria: Invitae Variant Classification Sherloc (09022015). Collection method: clinical testing. Allele origin: germline.
Comment: This sequence change replaces isoleucine, which is neutral and non-polar, with methionine, which is neutral and non-polar, at codon 337 of the NEXN protein (p.Ile337Met). This variant is not present in population databases (gnomAD no frequency). This variant has not been reported in the literature in individuals affected with NEXN-related conditions. Invitae Evidence Modeling of protein sequence and biophysical properties (such as structural, functional, and spatial information, amino acid conservation, physicochemical variation, residue mobility, and thermodynamic stability) indicates that this missense variant is not expected to disrupt NEXN protein function with a negative predictive value of 80%. In summary, the available evidence is currently insufficient to determine the role of this variant in disease. Therefore, it has been classified as a Variant of Uncertain Significance.